The following is an entry in ClinVar:

ClinVar aggregate classification (germline): Uncertain significance (1 of 4 stars; one submission).

Submission:

Ambry Genetics
Classification: Uncertain significance. Last evaluated: 2022-03-20. Review status: criteria provided, single submitter. Criteria: Ambry Variant Classification Scheme 2023. Collection method: clinical testing. Allele origin: germline.
Comment: The p.I244V variant (also known as c.730A>G), located in coding exon 5 of the IDH1 gene, results from an A to G substitution at nucleotide position 730. The isoleucine at codon 244 is replaced by valine, an amino acid with highly similar properties. This amino acid position is conserved. In addition, the in silico prediction for this alteration is inconclusive. Since supporting evidence is limited at this time, the clinical significance of this alteration remains unclear.

NM_005896.4(IDH1):c.730A>G (p.Ile244Val)

Gene: IDH1 (isocitrate dehydrogenase (NADP(+)) 1; minus strand). Cytogenetic location: 2q34.
Variant type: single nucleotide variant.
Coding change: c.730A>G on transcript NM_005896.4 (MANE Select); coding-DNA position 730, A replaced by G.
Protein change: p.Ile244Val; replaces isoleucine 244 with valine.
Molecular consequence: missense variant.
Genome position (GRCh38, 1-based): chr2:208,242,114, T>C on the plus strand (A>G on the coding strand, the complement: IDH1 is on the minus strand). VCF-style: chr2-208242114-T-C. GRCh37 (hg19) VCF-style: chr2-209106838-T-C.
Other names: c.730A>G, p.Ile244Val (NM_001282386.1, NM_001282387.1); short protein forms I244V.
Identifiers: ClinVar variation 1758241 (VCV001758241.2), dbSNP rs2469019621, ClinGen allele CA350097927.